The following is an entry in ClinVar:

NM_007294.4(BRCA1):c.5204A>G (p.Glu1735Gly)

Gene: BRCA1 (BRCA1 DNA repair associated; minus strand). Cytogenetic location: 17q21.31.
Variant type: single nucleotide variant.
Coding change: c.5204A>G on transcript NM_007294.4 (MANE Select); coding-DNA position 5204, A replaced by G.
Protein change: p.Glu1735Gly; replaces glutamic acid 1735 with glycine.
Molecular consequence: missense variant. On other transcripts: non-coding transcript variant (1).
Genome position (GRCh38, 1-based): chr17:43,057,125, T>C on the plus strand (A>G on the coding strand, the complement: BRCA1 is on the minus strand). VCF-style: chr17-43057125-T-C. GRCh37 (hg19) VCF-style: chr17-41209142-T-C.
Other names: c.4994A>G, p.Glu1665Gly (NM_001407879.1, NM_001407881.1, NM_001407882.1 and 5 more transcripts); c.4991A>G, p.Glu1664Gly (NM_001407900.1, NM_001407902.1, NM_001407904.1 and 12 more transcripts); c.4988A>G, p.Glu1663Gly (NM_001407915.1, NM_001407916.1, NM_001407917.1 and 1 more transcripts); c.4940A>G, p.Glu1647Gly (NM_001407926.1, NM_001407920.1, NM_001407921.1 and 4 more transcripts); c.4937A>G, p.Glu1646Gly (NM_001407927.1, NM_001407928.1, NM_001407929.1 and 4 more transcripts); c.4934A>G, p.Glu1645Gly (NM_001407934.1, NM_001407935.1, NM_001407936.1); c.5060A>G, p.Glu1687Gly (NM_001407945.1, NM_001407734.1, NM_001407735.1 and 21 more transcripts); c.4871A>G, p.Glu1624Gly (NM_001407946.1, NM_001407947.1, NM_001407948.1 and 1 more transcripts); and 72 more; short protein forms E1688G, E1735G, E631G, E1756G, E1439G, E1623G, E1664G, E1665G.
Identifiers: ClinVar variation 867514 (VCV000867514.7), dbSNP rs2051527499, ClinGen allele CA10591127.

ClinVar aggregate classification (germline): Conflicting classifications of pathogenicity. Review status: criteria provided, conflicting classifications (1 of 4 stars). 2 submissions from 2 submitters: Likely pathogenic (1); Uncertain significance (1). Last evaluated 2024-10-18.

Conditions:
Hereditary cancer-predisposing syndrome. Also called: Neoplastic Syndromes, Hereditary; Tumor predisposition; Hereditary Cancer Syndrome; Hereditary neoplastic syndrome. Identifiers: Orphanet 140162, MedGen C0027672, MeSH D009386, MONDO:0015356.
Hereditary breast ovarian cancer syndrome. Also called: Hereditary breast and ovarian cancer; Hereditary breast and ovarian cancer syndrome (HBOC); Breast and ovarian cancer; Hereditary breast and/or ovarian cancer syndrome; BRCA1- and BRCA2-Associated Hereditary Breast and Ovarian Cancer; Hereditary breast and ovarian cancer syndrome. Identifiers: Orphanet 145, MedGen C0677776, MeSH D061325, MONDO:0003582. Disease mechanism: loss of function.

Submissions (3):

Ambry Genetics
Classification: Likely pathogenic for Hereditary cancer-predisposing syndrome. Last evaluated: 2024-10-18. Review status: criteria provided, single submitter. Criteria: Ambry Variant Classification Scheme 2023. Collection method: clinical testing. Allele origin: germline.
Comment: The p.E1735G variant (also known as c.5204A>G), located in coding exon 18 of the BRCA1 gene, results from an A to G substitution at nucleotide position 5204. The glutamic acid at codon 1735 is replaced by glycine, an amino acid with similar properties. One functional study found that this nucleotide substitution is non-functional in a high throughput genome editing haploid cell survival assay (Findlay GM et al. Nature, 2018 Oct;562:217-222). This amino acid position is highly conserved in available vertebrate species. In addition, this alteration is predicted to be deleterious by in silico analysis. Based on the majority of available evidence to date, this variant is likely to be pathogenic.

Labcorp Genetics (formerly Invitae), Labcorp
Classification: Uncertain significance for Hereditary breast ovarian cancer syndrome. Last evaluated: 2023-01-20. Review status: criteria provided, single submitter. Criteria: Invitae Variant Classification Sherloc (09022015). Collection method: clinical testing. Allele origin: germline.
Comment: In summary, the available evidence is currently insufficient to determine the role of this variant in disease. Therefore, it has been classified as a Variant of Uncertain Significance. Advanced modeling performed at Invitae incorporating data from internal and/or published experimental studies (PMID: 30209399) indicates that this missense variant is expected to disrupt BRCA1 function. ClinVar contains an entry for this variant (Variation ID: 867514). This variant has not been reported in the literature in individuals affected with BRCA1-related conditions. This variant is not present in population databases (gnomAD no frequency). This sequence change replaces glutamic acid, which is acidic and polar, with glycine, which is neutral and non-polar, at codon 1735 of the BRCA1 protein (p.Glu1735Gly).

Brotman Baty Institute, University of Washington
No classification provided (evidence only). Condition: Breast-ovarian cancer, familial 1. Review status: no classification provided. Collection method: in vitro. Allele origin: not applicable. Functional consequence: functionally_abnormal. Not counted in ClinVar's aggregate classification.
ClinVar note: "not provided" was previously submitted as the classification for the variant. However, the classification appeared to be based only on an observation of functional data so it was converted to no classification on 2025-07-30.

Literature cited by the submitters: PubMed 30209399 (cited by Ambry Genetics and Labcorp Genetics (formerly Invitae), Labcorp).